The following is an entry in ClinVar:

ClinVar aggregate classification (germline): Uncertain significance (1 of 4 stars; one submission).

Conditions:
FAT1-related disorder. Also called: FAT1-related condition.

gnomAD v4.1: 1 of 1,613,966 alleles (0.000062%); no homozygotes.

Submission:

PreventionGenetics, part of Exact Sciences
Classification: Uncertain significance for FAT1-related condition. Last evaluated: 2025-09-27. Review status: criteria provided, single submitter. Criteria: ACMG Guidelines, 2015. Collection method: clinical testing. Allele origin: germline.
Comment: The FAT1 c.1592C>T variant is predicted to result in the amino acid substitution p.Pro531Leu. To our knowledge, this variant has not been reported in the literature or in a large population database (gnomAD), indicating this variant is rare. At this time, the clinical significance of this variant is uncertain due to the absence of conclusive functional and genetic evidence.

NM_005245.4(FAT1):c.1592C>T (p.Pro531Leu)

Gene: FAT1 (FAT atypical cadherin 1; minus strand). Cytogenetic location: 4q35.2.
Variant type: single nucleotide variant.
Coding change: c.1592C>T on transcript NM_005245.4 (MANE Select); coding-DNA position 1592, C replaced by T.
Protein change: p.Pro531Leu; replaces proline 531 with leucine.
Molecular consequence: missense variant.
Genome position (GRCh38, 1-based): chr4:186,708,236, G>A on the plus strand (C>T on the coding strand, the complement: FAT1 is on the minus strand). VCF-style: chr4-186708236-G-A. GRCh37 (hg19) VCF-style: chr4-187629390-G-A.
Other names: c.1592C>T, p.Pro531Leu (NM_001440455.1, NM_001440456.1, NM_001440457.1); short protein forms P531L.
Identifiers: ClinVar variation 4994515 (VCV004994515.1).